The following is an entry in ClinVar:

ClinVar aggregate classification (germline): Uncertain significance (1 of 4 stars; one submission).

Conditions:
Hereditary cancer-predisposing syndrome. Also called: Tumor predisposition; Hereditary neoplastic syndrome; Hereditary Cancer Syndrome; Neoplastic Syndromes, Hereditary. Identifiers: Orphanet 140162, MedGen C0027672, MeSH D009386, MONDO:0015356.

gnomAD v4.1: 2 of 1,610,900 alleles (0.00012%); highest among the groups gnomAD compares: South Asian, 0.0011%; no homozygotes.

Submission:

Ambry Genetics
Classification: Uncertain significance for Hereditary cancer-predisposing syndrome. Last evaluated: 2025-06-12. Review status: criteria provided, single submitter. Criteria: Ambry Variant Classification Scheme 2023. Collection method: clinical testing. Allele origin: germline.
Comment: The c.4436+4A>G intronic variant results from an A to G substitution 4 nucleotides after coding exon 28 in the ATM gene. This nucleotide position is well conserved in available vertebrate species. In silico splice site analysis for this alteration is inconclusive. Based on the available evidence, the clinical significance of this variant remains unclear.

NM_000051.4(ATM):c.4436+4A>G

Gene: ATM (ATM serine/threonine kinase; plus strand). Cytogenetic location: 11q22.3.
Variant type: single nucleotide variant.
Coding change: c.4436+4A>G on transcript NM_000051.4 (MANE Select); 4 bases into the intron after coding-DNA position 4436, A replaced by G.
Molecular consequence: intron variant.
Genome position (GRCh38, 1-based): chr11:108,289,805, A>G. VCF-style: chr11-108289805-A-G. GRCh37 (hg19) VCF-style: chr11-108160532-A-G.
Other names: c.4436+4A>G (NM_001351834.2).
Identifiers: ClinVar variation 3964363 (VCV003964363.1).